The following is an entry in ClinVar:

ClinVar aggregate classification (germline): Uncertain significance (1 of 4 stars; one submission).

Conditions:
Microphthalmia with brain and digit anomalies (MCOPS6). Also called: MICROPHTHALMIA AND PITUITARY ANOMALIES; Microphthalmia, syndromic 6. Identifiers: Orphanet 139471, MedGen C1864689, MONDO:0011936, OMIM 607932.
Orofacial cleft 11 (OFC11). Also called: Orofacial cleft 11; ofc11; CLEFT LIP WITH OR WITHOUT CLEFT PALATE, NONSYNDROMIC, 11. Identifiers: MedGen C2677434, MONDO:0010906, OMIM 600625.

Submission:

Labcorp Genetics (formerly Invitae), Labcorp
Classification: Uncertain significance for Microphthalmia with brain and digit anomalies; Orofacial cleft 11. Last evaluated: 2022-09-13. Review status: criteria provided, single submitter. Criteria: Invitae Variant Classification Sherloc (09022015). Collection method: clinical testing. Allele origin: germline.
Comment: In summary, the available evidence is currently insufficient to determine the role of this variant in disease. Therefore, it has been classified as a Variant of Uncertain Significance. Algorithms developed to predict the effect of sequence changes on RNA splicing suggest that this variant may create or strengthen a splice site. Advanced modeling of protein sequence and biophysical properties (such as structural, functional, and spatial information, amino acid conservation, physicochemical variation, residue mobility, and thermodynamic stability) performed at Invitae indicates that this missense variant is expected to disrupt BMP4 protein function. ClinVar contains an entry for this variant (Variation ID: 1352611). This variant has not been reported in the literature in individuals affected with BMP4-related conditions. This variant is not present in population databases (gnomAD no frequency). This sequence change replaces leucine, which is neutral and non-polar, with glutamine, which is neutral and polar, at codon 67 of the BMP4 protein (p.Leu67Gln).

NM_001202.6(BMP4):c.200T>A (p.Leu67Gln)

Gene: BMP4 (bone morphogenetic protein 4; minus strand). Cytogenetic location: 14q22.2.
Variant type: single nucleotide variant.
Coding change: c.200T>A on transcript NM_001202.6 (MANE Select); coding-DNA position 200, T replaced by A.
Protein change: p.Leu67Gln; replaces leucine 67 with glutamine.
Molecular consequence: missense variant.
Genome position (GRCh38, 1-based): chr14:53,952,023, A>T on the plus strand (T>A on the coding strand, the complement: BMP4 is on the minus strand). VCF-style: chr14-53952023-A-T. GRCh37 (hg19) VCF-style: chr14-54418741-A-T.
Other names: c.341T>A, p.Leu114Gln (NM_001347912.1); c.11T>A, p.Leu4Gln (NM_001347913.2, NM_001347915.2, NM_001347917.1); c.200T>A, p.Leu67Gln (NM_001347914.2, NM_001347916.1, NM_130850.5 and 1 more transcripts); short protein forms L114Q, L4Q, L67Q.
Identifiers: ClinVar variation 1352611 (VCV001352611.6), dbSNP rs2140238068, ClinGen allele CA389785364.